The following is an entry in ClinVar:

NM_000135.4(FANCA):c.1193_1196del (p.Val398fs)

Gene: FANCA (FA complementation group A; minus strand). Cytogenetic location: 16q24.3.
Variant type: Deletion.
Coding change: c.1193_1196del on transcript NM_000135.4 (MANE Select); coding-DNA positions 1193 to 1196, 4 bases deleted (TCTG; older notation c.1193_1196delTCTG).
Protein change: p.Val398fs; shifts the reading frame from valine 398.
Molecular consequence: frameshift variant.
Genome position (GRCh38, 1-based): chr16:89,791,956-89,791,959, CAGA deleted on the plus strand (TCTG on the coding strand, the reverse complement: FANCA is on the minus strand); deleting any 4 consecutive bases within chr16:89,791,956-89,791,961 gives the same sequence; the c. name uses the placement nearest the transcript's 3' end. VCF-style (leftmost placement, unchanged base first): chr16-89791955-GCAGA-G. GRCh37 (hg19) VCF-style: chr16-89858363-GCAGA-G.
Other names: c.1193_1196del, p.Val398fs (NM_001286167.3); short protein forms V398fs.
Identifiers: ClinVar variation 974009 (VCV000974009.1), dbSNP rs2040090895, ClinGen allele CA1139664962.
Genomic context (GRCh38, chr16:89,791,955, plus strand): 5'-ACCAGCACCACCGGGCTCGCGTAAAAGCTCACCTTCAAGCAGCTGCTGCGCTTCTGGAAA[GCAGA>G]CAACCAGGGCAGACACAAAGGAGAGCACTCTCTGCCAGTGAACCTCCTGCGTTTCCAGAA-3'

ClinVar aggregate classification (germline): Pathogenic. Review status: criteria provided, single submitter (1 of 4 stars). 2 submissions from 2 submitters: Pathogenic (1). 1 of the submissions does not count toward it. Last evaluated 2020-04-01.

Conditions:
Pituitary stalk interruption syndrome. Identifiers: Orphanet 95496, MedGen C4053775, MONDO:0019828.
Fanconi anemia complementation group A (FANCA). Also called: Fanconi anemia, group A; FANCA-Related Fanconi Anemia. Identifiers: Orphanet 84, MedGen C3469521, MONDO:0009215, OMIM 227650.

Submissions (2):

Human Developmental Genetics, Institut Pasteur
Classification: Pathogenic for Pituitary stalk interruption syndrome. Last evaluated: 2020-04-01. Review status: criteria provided, single submitter. Criteria: ACMG Guidelines, 2015. Collection method: research. Allele origin: unknown. Affected: yes.

Leiden Open Variation Database
Classification: Pathogenic for Fanconi anemia complementation group A. Last evaluated: 2020-02-28. Review status: no assertion criteria provided. Collection method: curation. Allele origin: germline. Affected: yes. Not counted in ClinVar's aggregate classification.
Comment: Curator: Arleen D. Auerbach. Submitter to LOVD: Arleen D. Auerbach.

Literature cited by the submitters: PubMed 10521298 (cited by Leiden Open Variation Database); PubMed 12444097 (cited by Leiden Open Variation Database).